The following is an entry in ClinVar:

ClinVar aggregate classification (germline): Uncertain significance (1 of 4 stars; one submission).

Allele frequency attached by ClinVar (database versions not stated): gnomAD exomes 0.00001.

Submission:

GeneDx
Classification: Uncertain significance. Last evaluated: 2023-10-23. Review status: criteria provided, single submitter. Criteria: GeneDx Variant Classification Process June 2021. Collection method: clinical testing. Allele origin: germline. Affected: yes.
Comment: In silico analysis supports that this missense variant does not alter protein structure/function; Has not been previously published as pathogenic or benign to our knowledge

NM_004667.6(HERC2):c.3757G>T (p.Ala1253Ser)

Gene: HERC2 (HECT and RLD domain containing E3 ubiquitin protein ligase 2; minus strand). Cytogenetic location: 15q13.1.
Variant type: single nucleotide variant.
Coding change: c.3757G>T on transcript NM_004667.6 (MANE Select); coding-DNA position 3757, G replaced by T.
Protein change: p.Ala1253Ser; replaces alanine 1253 with serine.
Molecular consequence: missense variant.
Genome position (GRCh38, 1-based): chr15:28,238,209, C>A on the plus strand (G>T on the coding strand, the complement: HERC2 is on the minus strand). VCF-style: chr15-28238209-C-A. GRCh37 (hg19) VCF-style: chr15-28483355-C-A.
Other names: short protein forms A1253S.
Identifiers: ClinVar variation 2663292 (VCV002663292.1), dbSNP rs753357781, ClinGen allele CA7442821.
Genomic context (GRCh38, chr15:28,238,209, plus strand): 5'-ATTCCCGGGTGTCTTCAAACTGCAAAGCAGCTTCCAAAGCTACCACTGGGTCTTCCCCTG[C>A]AAACTGAGCTGAAACAAAAAGGGAAAAAGCAACATGAGTTCAATTCAGCTTGCCTGAAGA-3'
Protein context (NP_004658.3, residues 1243-1263): LTGNSILAQF[Ala1253Ser]GEDPVVALEA